The following is an entry in ClinVar:

ClinVar aggregate classification (germline): Uncertain significance (1 of 4 stars; one submission).

Conditions:
Intellectual developmental disorder, autosomal recessive 37. Also called: Intellectual disability-hypotonia-spasticity-sleep disorder syndrome. Identifiers: Orphanet 356996, MedGen C3809672, MONDO:0014210, OMIM 615493.

Submission:

Department of Human Genetics, Hannover Medical School
Classification: Uncertain significance for Intellectual developmental disorder, autosomal recessive 37. Last evaluated: 2025-02-04. Review status: criteria provided, single submitter. Criteria: ACMG Guidelines, 2015. Collection method: clinical testing. Allele origin: germline. Affected: yes.
Comment: ACMG: PM2_Supporting, PP2

NM_020987.5(ANK3):c.3975A>C (p.Glu1325Asp)

Gene: ANK3 (ankyrin 3; minus strand). Cytogenetic location: 10q21.2.
Variant type: single nucleotide variant.
Coding change: c.3975A>C on transcript NM_020987.5 (MANE Select); coding-DNA position 3975, A replaced by C.
Protein change: p.Glu1325Asp; replaces glutamic acid 1325 with aspartic acid.
Molecular consequence: missense variant.
Genome position (GRCh38, 1-based): chr10:60,084,701, T>G on the plus strand (A>C on the coding strand, the complement: ANK3 is on the minus strand). VCF-style: chr10-60084701-T-G. GRCh37 (hg19) VCF-style: chr10-61844459-T-G.
Other names: c.1377A>C, p.Glu459Asp (NM_001149.4); c.3957A>C, p.Glu1319Asp (NM_001204403.2); c.3978A>C, p.Glu1326Asp (NM_001204404.2); c.3975A>C, p.Glu1325Asp (NM_001320874.2); short protein forms E1319D, E1325D, E1326D, E459D.
Identifiers: ClinVar variation 3602113 (VCV003602113.1).
Genomic context (GRCh38, chr10:60,084,701, plus strand): 5'-TTGTTGCTCTAAAGTTTTGTCCACTTTGTCATCTGTCATGCAGAAACATCGCAAGGAAGA[T>G]TCTACGGGATCATTCATTTTGGCAAAAACAACAAACTTGGCCATATATGGAACACATATC-3'
Protein context (NP_066267.2, residues 1315-1335): VVFAKMNDPV[Glu1325Asp]SSLRCFCMTD